The following is an entry in ClinVar:

NM_000059.4(BRCA2):c.5198C>G (p.Ser1733Cys)

Gene: BRCA2 (BRCA2 DNA repair associated; plus strand). Cytogenetic location: 13q13.1.
Variant type: single nucleotide variant.
Coding change: c.5198C>G on transcript NM_000059.4 (MANE Select); coding-DNA position 5198, C replaced by G.
Protein change: p.Ser1733Cys; replaces serine 1733 with cysteine.
Molecular consequence: missense variant.
Genome position (GRCh38, 1-based): chr13:32,339,553, C>G. VCF-style: chr13-32339553-C-G. GRCh37 (hg19) VCF-style: chr13-32913690-C-G.
Other names: c.5198C>G, p.Ser1733Cys (NM_001406719.1, NM_001406720.1); short protein forms S1733C.
Identifiers: ClinVar variation 1715203 (VCV001715203.7), dbSNP rs55639415, ClinGen allele CA387784588.

ClinVar aggregate classification (germline): Conflicting classifications of pathogenicity. Review status: criteria provided, conflicting classifications (1 of 4 stars). 2 submissions from 2 submitters: Uncertain significance (1); Likely benign (1). Last evaluated 2023-03-23.

Conditions:
Hereditary breast ovarian cancer syndrome. Also called: Hereditary breast and ovarian cancer syndrome; Hereditary breast and ovarian cancer syndrome (HBOC); Breast and ovarian cancer; Hereditary breast and/or ovarian cancer syndrome; Hereditary breast and ovarian cancer; BRCA1- and BRCA2-Associated Hereditary Breast and Ovarian Cancer. Identifiers: Orphanet 145, MedGen C0677776, MeSH D061325, MONDO:0003582. Disease mechanism: loss of function.
Hereditary cancer-predisposing syndrome. Also called: Neoplastic Syndromes, Hereditary; Tumor predisposition; Hereditary Cancer Syndrome; Hereditary neoplastic syndrome. Identifiers: Orphanet 140162, MedGen C0027672, MeSH D009386, MONDO:0015356.

Submissions (2):

University of Washington Department of Laboratory Medicine, University of Washington
Classification: Likely benign for Hereditary cancer-predisposing syndrome. Last evaluated: 2023-03-23. Review status: criteria provided, single submitter. Criteria: Dines et al. (Genet Med. 2020). Collection method: curation. Allele origin: germline.
Comment: Missense variant in a coldspot region where missense variants are very unlikely to be pathogenic (PMID:31911673).

BRCA2 exon 11 coldspot. Reclassification based on statistical prior probability.

Labcorp Genetics (formerly Invitae), Labcorp
Classification: Uncertain significance for Hereditary breast ovarian cancer syndrome. Last evaluated: 2022-08-05. Review status: criteria provided, single submitter. Criteria: Invitae Variant Classification Sherloc (09022015). Collection method: clinical testing. Allele origin: germline.
Comment: In summary, the available evidence is currently insufficient to determine the role of this variant in disease. Therefore, it has been classified as a Variant of Uncertain Significance. Advanced modeling of protein sequence and biophysical properties (such as structural, functional, and spatial information, amino acid conservation, physicochemical variation, residue mobility, and thermodynamic stability) performed at Invitae indicates that this missense variant is not expected to disrupt BRCA2 protein function. This variant has not been reported in the literature in individuals affected with BRCA2-related conditions. This variant is not present in population databases (gnomAD no frequency). This sequence change replaces serine, which is neutral and polar, with cysteine, which is neutral and slightly polar, at codon 1733 of the BRCA2 protein (p.Ser1733Cys).